The following is an entry in ClinVar:

ClinVar aggregate classification (germline): Uncertain significance. Review status: criteria provided, multiple submitters, no conflicts (2 of 4 stars). 2 submissions from 2 submitters: Uncertain significance (2). Last evaluated 2025-06-12.

Conditions:
Inborn genetic diseases. Identifiers: MedGen C0950123, MeSH D030342.

Allele frequency attached by ClinVar (database versions not stated): gnomAD 0.00001; gnomAD exomes 0.00001; ExAC 0.00005; TOPMed 0.00005; 1000 Genomes Project 30x 0.00016.
gnomAD v4.1: 11 of 1,602,292 alleles (0.00069%); highest among the groups gnomAD compares: East Asian, 0.018%; no homozygotes.

Submissions (2):

Ambry Genetics
Classification: Uncertain significance for Inborn genetic diseases. Last evaluated: 2025-06-12. Review status: criteria provided, single submitter. Criteria: Ambry Variant Classification Scheme 2023. Collection method: clinical testing. Allele origin: germline.

Labcorp Genetics (formerly Invitae), Labcorp
Classification: Uncertain significance. Last evaluated: 2024-11-05. Review status: criteria provided, single submitter. Criteria: Invitae Variant Classification Sherloc (09022015). Collection method: clinical testing. Allele origin: germline.
Comment: This sequence change replaces asparagine, which is neutral and polar, with aspartic acid, which is acidic and polar, at codon 449 of the PLK4 protein (p.Asn449Asp). This variant is present in population databases (rs34906574, gnomAD 0.07%). This variant has not been reported in the literature in individuals affected with PLK4-related conditions. ClinVar contains an entry for this variant (Variation ID: 1955820). An algorithm developed to predict the effect of missense changes on protein structure and function outputs the following: PolyPhen-2: "Benign". The aspartic acid amino acid residue is found in multiple mammalian species, which suggests that this missense change does not adversely affect protein function. In summary, the available evidence is currently insufficient to determine the role of this variant in disease. Therefore, it has been classified as a Variant of Uncertain Significance.

NM_014264.5(PLK4):c.1345A>G (p.Asn449Asp)

Gene: PLK4 (polo like kinase 4; plus strand). Cytogenetic location: 4q28.1.
Variant type: single nucleotide variant.
Coding change: c.1345A>G on transcript NM_014264.5 (MANE Select); coding-DNA position 1345, A replaced by G.
Protein change: p.Asn449Asp; replaces asparagine 449 with aspartic acid.
Molecular consequence: missense variant.
Genome position (GRCh38, 1-based): chr4:127,886,715, A>G. VCF-style: chr4-127886715-A-G. GRCh37 (hg19) VCF-style: chr4-128807870-A-G.
Other names: c.1249A>G, p.Asn417Asp (NM_001190799.2); c.1222A>G, p.Asn408Asp (NM_001190801.2); c.1345A>G (NM_014264.4); short protein forms N417D, N449D, N408D.
Identifiers: ClinVar variation 1955820 (VCV001955820.6), dbSNP rs34906574, ClinGen allele CA3076726.